The following is an entry in ClinVar:

NM_152564.5(VPS13B):c.584C>G (p.Thr195Ser)

Gene: VPS13B (vacuolar protein sorting 13 homolog B; plus strand). Cytogenetic location: 8q22.2.
Variant type: single nucleotide variant.
Coding change: c.584C>G on transcript NM_152564.5 (MANE Select); coding-DNA position 584, C replaced by G.
Protein change: p.Thr195Ser; replaces threonine 195 with serine.
Molecular consequence: missense variant. On other transcripts: non-coding transcript variant (1).
Genome position (GRCh38, 1-based): chr8:99,111,101, C>G. VCF-style: chr8-99111101-C-G. GRCh37 (hg19) VCF-style: chr8-100123329-C-G.
Other names: c.584C>G (NM_017890.3, NM_152564.4); c.584C>G, p.Thr195Ser (NM_015243.3, NM_017890.5, NM_181661.3); short protein forms T195S.
Identifiers: ClinVar variation 361038 (VCV000361038.26), dbSNP rs770738729, ClinGen allele CA10628487.

ClinVar aggregate classification (germline): Uncertain significance. Review status: criteria provided, multiple submitters, no conflicts (2 of 4 stars). 10 submissions from 10 submitters: Uncertain significance (6). 4 of the submissions do not count toward it. Last evaluated 2025-11-04.

Conditions:
VPS13B-related disorder. Also called: VPS13B-related condition.
Inborn genetic diseases. Identifiers: MedGen C0950123, MeSH D030342.
Cohen syndrome (COH1). Also called: PEPPER SYNDROME; Cutis verticis gyrata, retinitis pigmentosa, and sensorineural deafness. Identifiers: Orphanet 193, MedGen C0265223, MONDO:0008999, OMIM 216550.

Allele frequency attached by ClinVar (database versions not stated): gnomAD 0.00001; TOPMed 0.00002.
gnomAD v4.1: 25 of 1,596,014 alleles (0.0016%); highest among the groups gnomAD compares: African/African-American, 0.019%; no homozygotes.

Submissions (10):

Labcorp Genetics (formerly Invitae), Labcorp
Classification: Uncertain significance for Cohen syndrome. Last evaluated: 2025-11-04. Review status: criteria provided, single submitter. Criteria: Invitae Variant Classification Sherloc (09022015). Collection method: clinical testing. Allele origin: germline.
Comment: This sequence change replaces threonine, which is neutral and polar, with serine, which is neutral and polar, at codon 195 of the VPS13B protein (p.Thr195Ser). This variant is present in population databases (no rsID available, gnomAD 0.0009%). This variant has not been reported in the literature in individuals affected with VPS13B-related conditions. ClinVar contains an entry for this variant (Variation ID: 361038). Invitae Evidence Modeling of protein sequence and biophysical properties (such as structural, functional, and spatial information, amino acid conservation, physicochemical variation, residue mobility, and thermodynamic stability) indicates that this missense variant is not expected to disrupt VPS13B protein function with a negative predictive value of 80%. In summary, the available evidence is currently insufficient to determine the role of this variant in disease. Therefore, it has been classified as a Variant of Uncertain Significance.

Blueprint Genetics
Classification: Uncertain significance. Last evaluated: 2024-11-25. Review status: criteria provided, single submitter. Criteria: ACMG Guidelines, 2015. Collection method: clinical testing. Allele origin: germline.

Ambry Genetics
Classification: Uncertain significance for Inborn genetic diseases. Last evaluated: 2021-07-13. Review status: criteria provided, single submitter. Criteria: Ambry Variant Classification Scheme 2023. Collection method: clinical testing. Allele origin: germline.

Baylor Genetics
Classification: Uncertain significance for Cohen syndrome. Last evaluated: 2019-09-22. Review status: criteria provided, single submitter. Criteria: ACMG Guidelines, 2015. Collection method: clinical testing. Allele origin: unknown. Affected: yes.
Comment: This variant was determined to be of uncertain significance according to ACMG Guidelines, 2015 [PMID:25741868].

Genetic Services Laboratory, University of Chicago
Classification: Uncertain significance. Last evaluated: 2018-09-12. Review status: criteria provided, single submitter. Criteria: ACMG Guidelines, 2015. Collection method: clinical testing. Allele origin: germline. Affected: no.

Illumina Laboratory Services, Illumina
Classification: Uncertain significance for Cohen syndrome. Last evaluated: 2018-01-12. Review status: criteria provided, single submitter. Criteria: ICSL Variant Classification Criteria 13 December 2019. Collection method: clinical testing. Allele origin: germline.

PreventionGenetics, part of Exact Sciences
Classification: Uncertain significance for VPS13B-related condition. Last evaluated: 2024-05-02. Review status: no assertion criteria provided. Collection method: clinical testing. Allele origin: germline. Not counted in ClinVar's aggregate classification.
Comment: The VPS13B c.584C>G variant is predicted to result in the amino acid substitution p.Thr195Ser. To our knowledge, this variant has not been reported in the literature or in a large population database, indicating this variant is rare. At this time, the clinical significance of this variant is uncertain due to the absence of conclusive functional and genetic evidence.

Natera, Inc.
Classification: Uncertain significance for Cohen syndrome. Last evaluated: 2020-09-08. Review status: no assertion criteria provided. Collection method: clinical testing. Allele origin: germline. Not counted in ClinVar's aggregate classification.

Clinical Genetics DNA and cytogenetics Diagnostics Lab, Erasmus MC, Erasmus Medical Center
Classification: Uncertain significance. Review status: no assertion criteria provided. Collection method: clinical testing. Allele origin: germline. Affected: yes. Study: VKGL Data-share Consensus. Not counted in ClinVar's aggregate classification.

Clinical Genetics, Academic Medical Center
Classification: Uncertain significance. Review status: no assertion criteria provided. Collection method: clinical testing. Allele origin: germline. Affected: yes. Study: VKGL Data-share Consensus. Not counted in ClinVar's aggregate classification.